The following is an entry in ClinVar:

NM_001042432.2(CLN3):c.223-5A>G

Gene: CLN3 (CLN3 lysosomal/endosomal transmembrane protein, battenin; minus strand). Cytogenetic location: 16p12.1.
Variant type: single nucleotide variant.
Coding change: c.223-5A>G on transcript NM_001042432.2 (MANE Select); 5 bases into the intron before coding-DNA position 223, A replaced by G.
Molecular consequence: intron variant.
Genome position (GRCh38, 1-based): chr16:28,488,667, T>C on the plus strand (A>G on the coding strand, the complement: CLN3 is on the minus strand). VCF-style: chr16-28488667-T-C. GRCh37 (hg19) VCF-style: chr16-28499988-T-C.
Other names: c.60+623A>G (NM_001286109.2); c.222+623A>G (NM_001286104.2); c.3-5A>G (NM_001286105.2); c.61-5A>G (NM_001286110.2); c.223-5A>G (NM_000086.2).
Identifiers: ClinVar variation 700464 (VCV000700464.11), dbSNP rs1210022838, ClinGen allele CA621716887.

ClinVar aggregate classification (germline): Likely benign. Review status: criteria provided, multiple submitters, no conflicts (2 of 4 stars). 2 submissions from 2 submitters: Likely benign (2). Last evaluated 2026-05-18.

Conditions:
Neuronal ceroid lipofuscinosis. Also called: Neuronal Ceroid Lipofuscinoses. Identifiers: Orphanet 216, Orphanet 79263, MedGen C0027877, MONDO:0016295. Disease mechanism: loss of function.
CLN3-related disorder. Also called: CLN3-related condition. Identifiers: MedGen CN382248.

Allele frequency attached by ClinVar (database versions not stated): TOPMed 0.00001; gnomAD exomes 0.00002; gnomAD 0.00005 and 0.00006.
gnomAD v4.1: 39 of 1,613,864 alleles (0.0024%); highest among the groups gnomAD compares: Non-Finnish European, 0.0031%; no homozygotes.

Submissions (2):

PreventionGenetics, part of Exact Sciences
Classification: Likely benign for CLN3-related condition. Last evaluated: 2026-05-18. Review status: criteria provided, single submitter. Criteria: ACMG Guidelines, 2015. Collection method: clinical testing. Allele origin: germline.
Comment: This variant is classified as likely benign based on ACMG/AMP sequence variant interpretation guidelines (Richards et al. 2015 PMID: 25741868, with internal and published modifications).

Labcorp Genetics (formerly Invitae), Labcorp
Classification: Likely benign for Neuronal ceroid lipofuscinosis. Last evaluated: 2025-12-29. Review status: criteria provided, single submitter. Criteria: Invitae Variant Classification Sherloc (09022015). Collection method: clinical testing. Allele origin: germline.